The following is an entry in ClinVar:

ClinVar aggregate classification (germline): Uncertain significance (1 of 4 stars; one submission).

Conditions:
Brugada syndrome 8 (BRGDA8). Identifiers: Orphanet 130, MedGen C2751083, MONDO:0013148, OMIM 613123.

Submission:

Labcorp Genetics (formerly Invitae), Labcorp
Classification: Uncertain significance for Brugada syndrome 8. Last evaluated: 2021-01-06. Review status: criteria provided, single submitter. Criteria: Invitae Variant Classification Sherloc (09022015). Collection method: clinical testing. Allele origin: germline.
Comment: This sequence change replaces proline with glutamine at codon 166 of the HCN4 protein (p.Pro166Gln). The proline residue is moderately conserved and there is a moderate physicochemical difference between proline and glutamine. The frequency data for this variant in the population databases is considered unreliable, as metrics indicate insufficient coverage at this position in the ExAC database. This variant has not been reported in the literature in individuals with HCN4-related conditions. Advanced modeling of protein sequence and biophysical properties (such as structural, functional, and spatial information, amino acid conservation, physicochemical variation, residue mobility, and thermodynamic stability) performed at Invitae indicates that this missense variant is not expected to disrupt HCN4 protein function. Algorithms developed to predict the effect of sequence changes on RNA splicing suggest that this variant may create or strengthen a splice site, but this prediction has not been confirmed by published transcriptional studies. In summary, the available evidence is currently insufficient to determine the role of this variant in disease. Therefore, it has been classified as a Variant of Uncertain Significance.

NM_005477.3(HCN4):c.497C>A (p.Pro166Gln)

Gene: HCN4 (hyperpolarization activated cyclic nucleotide gated potassium channel 4; minus strand). Cytogenetic location: 15q24.1.
Variant type: single nucleotide variant.
Coding change: c.497C>A on transcript NM_005477.3 (MANE Select); coding-DNA position 497, C replaced by A.
Protein change: p.Pro166Gln; replaces proline 166 with glutamine.
Molecular consequence: missense variant.
Genome position (GRCh38, 1-based): chr15:73,367,774, G>T on the plus strand (C>A on the coding strand, the complement: HCN4 is on the minus strand). VCF-style: chr15-73367774-G-T. GRCh37 (hg19) VCF-style: chr15-73660115-G-T.
Other names: short protein forms P166Q.
Identifiers: ClinVar variation 1362852 (VCV001362852.8), dbSNP rs771442346, ClinGen allele CA393097843.